The following is an entry in ClinVar:

NM_133642.5(LARGE1):c.1192C>T (p.Arg398Cys)

Gene: LARGE1 (LARGE xylosyl- and glucuronyltransferase 1; minus strand). Cytogenetic location: 22q12.3.
Variant type: single nucleotide variant.
Coding change: c.1192C>T on transcript NM_133642.5 (MANE Select); coding-DNA position 1192, C replaced by T.
Protein change: p.Arg398Cys; replaces arginine 398 with cysteine.
Molecular consequence: missense variant. On other transcripts: intron variant (2).
Genome position (GRCh38, 1-based): chr22:33,337,741, G>A on the plus strand (C>T on the coding strand, the complement: LARGE1 is on the minus strand). VCF-style: chr22-33337741-G-A. GRCh37 (hg19) VCF-style: chr22-33733727-G-A.
Other names: c.1192C>T, p.Arg398Cys (NM_001362949.2, NM_001362951.2, NM_001362953.2 and 6 more transcripts); c.589C>T, p.Arg197Cys (NM_001378630.1); c.1132-21493C>T (NM_001378629.1); c.529-21493C>T (NM_001378631.1); short protein forms R398C, R197C.
Identifiers: ClinVar variation 1469367 (VCV001469367.3), dbSNP rs1376994263, ClinGen allele CA411543769.

ClinVar aggregate classification (germline): Uncertain significance (1 of 4 stars; one submission).

Conditions:
Muscular dystrophy-dystroglycanopathy type B6 (MDDGB6). Also called: MUSCULAR DYSTROPHY-DYSTROGLYCANOPATHY (CONGENITAL WITH IMPAIRED INTELLECTUAL DEVELOPMENT), TYPE B, 6; MUSCULAR DYSTROPHY, CONGENITAL, LARGE-RELATED; MUSCULAR DYSTROPHY, CONGENITAL, TYPE 1D. Identifiers: MedGen C1837229, MONDO:0012138, OMIM 608840.

Allele frequency attached by ClinVar (database versions not stated): gnomAD exomes below 0.00001 and 0.00001.
gnomAD v4.1: 11 of 1,614,126 alleles (0.00068%); highest among the groups gnomAD compares: Middle Eastern, 0.016%; no homozygotes.

Submission:

Labcorp Genetics (formerly Invitae), Labcorp
Classification: Uncertain significance for Muscular dystrophy-dystroglycanopathy type B6. Last evaluated: 2021-10-27. Review status: criteria provided, single submitter. Criteria: Invitae Variant Classification Sherloc (09022015). Collection method: clinical testing. Allele origin: germline.
Comment: This sequence change replaces arginine, which is basic and polar, with cysteine, which is neutral and slightly polar, at codon 398 of the LARGE1 protein (p.Arg398Cys). This variant is present in population databases (no rsID available, gnomAD 0.003%). This variant has not been reported in the literature in individuals affected with LARGE1-related conditions. Algorithms developed to predict the effect of missense changes on protein structure and function are either unavailable or do not agree on the potential impact of this missense change (SIFT: "Deleterious"; PolyPhen-2: "Probably Damaging"; Align-GVGD: "Class C0"). In summary, the available evidence is currently insufficient to determine the role of this variant in disease. Therefore, it has been classified as a Variant of Uncertain Significance.